The following is an entry in ClinVar:

NM_000245.4(MET):c.3632+1G>T

Gene: MET (MET proto-oncogene, receptor tyrosine kinase; plus strand). Cytogenetic location: 7q31.2.
Variant type: single nucleotide variant.
Coding change: c.3632+1G>T on transcript NM_000245.4 (MANE Select); the canonical splice donor site of the intron after coding-DNA position 3632, G replaced by T.
Molecular consequence: splice donor variant.
Genome position (GRCh38, 1-based): chr7:116,782,098, G>T. VCF-style: chr7-116782098-G-T. GRCh37 (hg19) VCF-style: chr7-116422152-G-T.
Other names: c.3686+1G>T (NM_001127500.3); c.2342+1G>T (NM_001324402.2).
Identifiers: ClinVar variation 3872346 (VCV003872346.1).

ClinVar aggregate classification (germline): Uncertain significance (1 of 4 stars; one submission).

Conditions:
Hereditary cancer-predisposing syndrome. Also called: Tumor predisposition; Neoplastic Syndromes, Hereditary; Hereditary Cancer Syndrome; Hereditary neoplastic syndrome. Identifiers: Orphanet 140162, MedGen C0027672, MeSH D009386, MONDO:0015356.

Submission:

Ambry Genetics
Classification: Uncertain significance for Hereditary cancer-predisposing syndrome. Last evaluated: 2024-12-30. Review status: criteria provided, single submitter. Criteria: Ambry Variant Classification Scheme 2023. Collection method: clinical testing. Allele origin: germline.
Comment: The c.3686+1G>T intronic variant results from a G to T substitution one nucleotide after coding exon 17 of the MET gene. This nucleotide position is highly conserved in available vertebrate species. In silico splice site analysis predicts that this alteration will weaken the native splice donor site. Alterations that disrupt the canonical splice site are expected to cause aberrant splicing, resulting in an abnormal protein or a transcript that is subject to nonsense-mediated mRNA decay. However, loss of function of MET has not been established as a mechanism of disease. Based on the available evidence, the clinical significance of this alteration remains unclear.